The following is an entry in ClinVar:

ClinVar aggregate classification (germline): Uncertain significance (1 of 4 stars; one submission).

Conditions:
Hereditary spherocytosis type 1. Also called: Spherocytosis type 1; ANK1-Related Spherocytosis. Identifiers: Orphanet 822, MedGen C2674218, MONDO:0008447, OMIM 182900.

Submission:

ARUP Laboratories, Molecular Genetics and Genomics, ARUP Laboratories
Classification: Uncertain significance for Hereditary spherocytosis type 1. Last evaluated: 2025-07-24. Review status: criteria provided, single submitter. Criteria: ARUP Molecular Germline Variant Investigation Process 2024. Collection method: clinical testing. Allele origin: germline.
Comment: The ANK1 c.4928G>T; p.Gly1643Val variant, to our knowledge, is not reported in the medical literature or gene specific databases. This variant is also absent from the Genome Aggregation Database (v2.1.1), indicating it is not a common polymorphism. Computational analyses are uncertain whether this variant is neutral or deleterious (REVEL: 0.154). Due to limited information, the clinical significance of this variant is uncertain at this time.

NM_000037.4(ANK1):c.4928G>T (p.Gly1643Val)

Gene: ANK1 (ankyrin 1; minus strand). Cytogenetic location: 8p11.21.
Variant type: single nucleotide variant.
Coding change: c.4928G>T on transcript NM_000037.4 (MANE Select); coding-DNA position 4928, G replaced by T.
Protein change: p.Gly1643Val; replaces glycine 1643 with valine.
Molecular consequence: missense variant. On other transcripts: intron variant (1).
Genome position (GRCh38, 1-based): chr8:41,672,522, C>A on the plus strand (G>T on the coding strand, the complement: ANK1 is on the minus strand). VCF-style: chr8-41672522-C-A. GRCh37 (hg19) VCF-style: chr8-41530040-C-A.
Other names: c.5051G>T, p.Gly1684Val (NM_001142446.2); c.4928G>T, p.Gly1643Val (NM_020475.3, NM_020476.3); c.4538-96G>T (NM_020477.3); short protein forms G1643V, G1684V.
Identifiers: ClinVar variation 4685975 (VCV004685975.1).